The following is an entry in ClinVar:

NM_022897.5(RANBP17):c.2997G>A (p.Trp999Ter)

Genes: RANBP17 (RAN binding protein 17; plus strand), LOC126807596 (BRD4-independent group 4 enhancer GRCh37_chr5:170720541-170721740; plus strand). Cytogenetic location: 5q35.1.
Variant type: single nucleotide variant.
Coding change: c.2997G>A on transcript NM_022897.5 (MANE Select); coding-DNA position 2997, G replaced by A.
Protein change: p.Trp999Ter; replaces tryptophan 999 with a stop codon.
Molecular consequence: nonsense.
Genome position (GRCh38, 1-based): chr5:171,293,936, G>A. VCF-style: chr5-171293936-G-A. GRCh37 (hg19) VCF-style: chr5-170720940-G-A.
Other names: short protein forms W999*.
Identifiers: ClinVar variation 1690583 (VCV001690583.2), dbSNP rs2128045448, ClinGen allele CA362209349.
Genomic context (GRCh38, chr5:171,293,936, plus strand): 5'-CTTCTAGATGATGTCTGTCCTCATGAACACCATTGTCTTTGAAGACTGTCGGAACCAGTG[G>A]TCAGTATCCAGGCCTCTCCTGGGGCTCATCCTGCTCAATGAGAAGGTGAGTGTGATTGCA-3'

ClinVar aggregate classification (germline): Uncertain significance (1 of 4 stars; one submission).

Allele frequency attached by ClinVar (database versions not stated): gnomAD exomes below 0.00001.
gnomAD v4.1: 1 of 1,613,970 alleles (0.000062%); highest among the groups gnomAD compares: Non-Finnish European, 0.000085%; no homozygotes.

Submission:

Laboratorio de Genetica e Diagnostico Molecular, Hospital Israelita Albert Einstein
Classification: Uncertain significance. Last evaluated: 2022-03-16. Review status: criteria provided, single submitter. Criteria: ACMG Guidelines, 2015. Collection method: clinical testing. Allele origin: germline. Affected: yes.
Comment: ACMG classification criteria: PM2